The following is an entry in ClinVar:

NM_014717.3(ZNF536):c.625C>T (p.Arg209Trp)

Gene: ZNF536 (zinc finger protein 536; plus strand). Cytogenetic location: 19q12.
Variant type: single nucleotide variant.
Coding change: c.625C>T on transcript NM_014717.3 (MANE Select); coding-DNA position 625, C replaced by T.
Protein change: p.Arg209Trp; replaces arginine 209 with tryptophan.
Molecular consequence: missense variant.
Genome position (GRCh38, 1-based): chr19:30,444,187, C>T. VCF-style: chr19-30444187-C-T. GRCh37 (hg19) VCF-style: chr19-30935094-C-T.
Other names: c.625C>T, p.Arg209Trp (NM_001352260.2, NM_001376110.1, NM_001376111.1 and 1 more transcripts); short protein forms R209W.
Identifiers: ClinVar variation 5008652 (VCV005008652.1).

ClinVar aggregate classification (germline): Uncertain significance (1 of 4 stars; one submission).

Submission:

GeneDx
Classification: Uncertain significance. Last evaluated: 2026-02-16. Review status: criteria provided, single submitter. Criteria: GeneDx Variant Classification Process June 2021. Collection method: clinical testing. Allele origin: germline.
Comment: Not observed at significant frequency in large population cohorts (gnomAD); Has not been previously published as pathogenic or benign to our knowledge; In silico analysis suggests that this missense variant does not alter protein structure/function; Variants in candidate genes are classified as variants of uncertain significance in accordance with ACMG guidelines (PMID: 25741868)